The following is an entry in ClinVar:

ClinVar aggregate classification (germline): Benign (1 of 4 stars; one submission).

Conditions:
Melanoma-pancreatic cancer syndrome. Identifiers: Orphanet 404560, MedGen C1838547, MONDO:0011713, OMIM 606719. Disease mechanism: loss of function.

Submission:

Myriad Genetics, Inc.
Classification: Benign for Melanoma-pancreatic cancer syndrome. Last evaluated: 2025-08-12. Review status: criteria provided, single submitter. Criteria: Myriad Autosomal Dominant, Autosomal Recessive and X-Linked Classification Criteria (2023). Collection method: clinical testing. Allele origin: unknown.
Comment: This variant is considered benign. This variant is a silent/synonymous amino acid change and it is not expected to impact splicing.

NM_058195.4(CDKN2A):c.90C>G (p.Leu30=)

Gene: CDKN2A (cyclin dependent kinase inhibitor 2A; minus strand). Cytogenetic location: 9p21.3.
Variant type: single nucleotide variant.
Coding change: c.90C>G on transcript NM_058195.4 (MANE Plus Clinical); coding-DNA position 90, C replaced by G.
Protein change: p.Leu30=; no amino-acid change (leucine 30 retained).
Molecular consequence: synonymous variant. On other transcripts: intron variant (1).
Genome position (GRCh38, 1-based): chr9:21,994,242, G>C on the plus strand (C>G on the coding strand, the complement: CDKN2A is on the minus strand). VCF-style: chr9-21994242-G-C. GRCh37 (hg19) VCF-style: chr9-21994241-G-C.
Other names: c.-4+579C>G (NM_001363763.2).
Identifiers: ClinVar variation 4294159 (VCV004294159.1).
Genomic context (GRCh38, chr9:21,994,242, plus strand): 5'-CAGTAGCATCAGCACGAGGGCCACAGCGGCGGGCGCCCCTGGCGCTGCCCACTCCCCCGT[G>C]AGCCGCGGGATGTGAACCACGAAAACCCTCACTCGCGGCGGGCCGCACGCGCGCCGAATC-3'
Protein context (NP_478102.2, residues 20-40): VRVFVVHIPR[Leu30=]TGEWAAPGAP